The following is an entry in ClinVar:

NM_001308093.3(GATA4):c.692G>A (p.Arg231Gln)

Gene: GATA4 (GATA binding protein 4). Cytogenetic location: 8p23.1.
Variant type: single nucleotide variant.
Coding change: c.692G>A on transcript NM_001308093.3 (MANE Select); coding-DNA position 692, G replaced by A.
Protein change: p.Arg231Gln; replaces arginine 231 with glutamine.
Molecular consequence: missense variant.
Genome position (GRCh38, 1-based): chr8:11,748,991, G>A. VCF-style: chr8-11748991-G-A. GRCh37 (hg19) VCF-style: chr8-11606500-G-A.
Other names: c.71G>A, p.Arg24Gln (NM_001308094.2, NM_001374273.1, NM_001374274.1); c.689G>A, p.Arg230Gln (NM_002052.5); short protein forms R230Q, R24Q, R231Q.
Identifiers: ClinVar variation 2727563 (VCV002727563.3), dbSNP rs2486967128, ClinGen allele CA370312684.
Genomic context (GRCh38, chr8:11,748,991, plus strand): 5'-ACTTCTCAGAAGGCAGAGAGTGTGTCAACTGTGGGGCTATGTCCACCCCGCTCTGGAGGC[G>A]AGATGGGACGGGTCACTATCTGTGCAACGCCTGCGGCCTCTACCACAAGATGAACGGCAT-3'
Protein context (NP_001295022.1, residues 221-241): CGAMSTPLWR[Arg231Gln]DGTGHYLCNA

ClinVar aggregate classification (germline): Uncertain significance (1 of 4 stars; one submission).

Conditions:
Atrioventricular septal defect 4 (AVSD4). Identifiers: MedGen C3280781, MONDO:0013747, OMIM 614430.

Submission:

Labcorp Genetics (formerly Invitae), Labcorp
Classification: Uncertain significance for Atrioventricular septal defect 4. Last evaluated: 2024-10-18. Review status: criteria provided, single submitter. Criteria: Invitae Variant Classification Sherloc (09022015). Collection method: clinical testing. Allele origin: germline.
Comment: This sequence change replaces arginine, which is basic and polar, with glutamine, which is neutral and polar, at codon 230 of the GATA4 protein (p.Arg230Gln). This variant is not present in population databases (gnomAD no frequency). This variant has not been reported in the literature in individuals affected with GATA4-related conditions. Invitae Evidence Modeling of protein sequence and biophysical properties (such as structural, functional, and spatial information, amino acid conservation, physicochemical variation, residue mobility, and thermodynamic stability) indicates that this missense variant is expected to disrupt GATA4 protein function with a positive predictive value of 95%. In summary, the available evidence is currently insufficient to determine the role of this variant in disease. Therefore, it has been classified as a Variant of Uncertain Significance.